The following is an entry in ClinVar:

NM_001393982.1(ANKRD36C):c.5553T>G (p.Val1851=)

Gene: ANKRD36C (ankyrin repeat domain 36C; minus strand). Cytogenetic location: 2q11.1.
Variant type: single nucleotide variant.
Coding change: c.5553T>G on transcript NM_001393982.1 (MANE Select); coding-DNA position 5553, T replaced by G.
Protein change: p.Val1851=; no amino-acid change (valine 1851 retained).
Molecular consequence: synonymous variant.
Genome position (GRCh38, 1-based): chr2:95,855,731, A>C on the plus strand (T>G on the coding strand, the complement: ANKRD36C is on the minus strand). VCF-style: chr2-95855731-A-C. GRCh37 (hg19) VCF-style: chr2-96521479-A-C.
Other names: c.5628T>G, p.Val1876= (NM_001310154.3).
Identifiers: ClinVar variation 4084832 (VCV004084832.8).

ClinVar aggregate classification (germline): Likely benign (1 of 4 stars; one submission).

Submission:

CeGaT Center for Human Genetics Tuebingen
Classification: Likely benign. Last evaluated: 2025-08-01. Review status: criteria provided, single submitter. Criteria: CeGaT Center For Human Genetics Tuebingen Variant Classification Criteria Version 2. Collection method: clinical testing. Allele origin: germline. Affected: yes. Observed: 5 variant alleles.
Comment: ANKRD36C: PM2:Supporting, BP4, BP7